The following is an entry in ClinVar:

NM_002691.4(POLD1):c.1778A>C (p.Tyr593Ser)

Gene: POLD1 (DNA polymerase delta 1, catalytic subunit; plus strand). Cytogenetic location: 19q13.33.
Variant type: single nucleotide variant.
Coding change: c.1778A>C on transcript NM_002691.4 (MANE Select); coding-DNA position 1778, A replaced by C.
Protein change: p.Tyr593Ser; replaces tyrosine 593 with serine.
Molecular consequence: missense variant. On other transcripts: non-coding transcript variant (1).
Genome position (GRCh38, 1-based): chr19:50,408,787, A>C. VCF-style: chr19-50408787-A-C. GRCh37 (hg19) VCF-style: chr19-50912044-A-C.
Other names: c.1778A>C, p.Tyr593Ser (NM_001256849.1); c.1856A>C, p.Tyr619Ser (NM_001308632.1); short protein forms Y619S, Y593S.
Identifiers: ClinVar variation 1461767 (VCV001461767.8), dbSNP rs2122365839, ClinGen allele CA406981933.
Genomic context (GRCh38, chr19:50,408,787, plus strand): 5'-CGGGGGCGGCATGGGAACTCCTAGCCCTGACTCCCGGCCGCGGCTGCTCCCCTCCCAGGT[A>C]CTACGACGTCCCCATCGCCACCCTGGACTTCTCCTCGCTGTACCCGTCCATCATGATGGC-3'
Protein context (NP_002682.2, residues 583-603): GATVIEPLKG[Tyr593Ser]YDVPIATLDF

ClinVar aggregate classification (germline): Uncertain significance (1 of 4 stars; one submission).

Conditions:
POLD1-related polyposis and colorectal cancer syndrome (CRCS10). Also called: Colorectal cancer 10; COLORECTAL CANCER, SUSCEPTIBILITY TO, ON CHROMOSOME 19q; Colorectal cancer, susceptibility to, 10. Identifiers: Orphanet 220460, MedGen C2675481, MONDO:0012953, OMIM 612591.

Submission:

Labcorp Genetics (formerly Invitae), Labcorp
Classification: Uncertain significance for POLD1-related polyposis and colorectal cancer syndrome. Last evaluated: 2022-07-31. Review status: criteria provided, single submitter. Criteria: Invitae Variant Classification Sherloc (09022015). Collection method: clinical testing. Allele origin: germline.
Comment: In summary, the available evidence is currently insufficient to determine the role of this variant in disease. Therefore, it has been classified as a Variant of Uncertain Significance. Algorithms developed to predict the effect of missense changes on protein structure and function (SIFT, PolyPhen-2, Align-GVGD) all suggest that this variant is likely to be disruptive. ClinVar contains an entry for this variant (Variation ID: 1461767). This variant has not been reported in the literature in individuals affected with POLD1-related conditions. This variant is not present in population databases (gnomAD no frequency). This sequence change replaces tyrosine, which is neutral and polar, with serine, which is neutral and polar, at codon 593 of the POLD1 protein (p.Tyr593Ser).